The following is an entry in ClinVar:

ClinVar aggregate classification (germline): Likely pathogenic (1 of 4 stars; one submission).

Submission:

GeneDx
Classification: Likely pathogenic. Last evaluated: 2017-11-07. Review status: criteria provided, single submitter. Criteria: GeneDx Variant Classification (06012015). Collection method: clinical testing. Allele origin: germline. Affected: yes.
Comment: A c.3812delC variant that is likely pathogenic has been identified in the ATP7A gene. The c.3812delC variant has not been published as a pathogenic variant, nor has it been reported as a benign variant to our knowledge. This variant causes a frameshift starting with codon Threonine 1271, changes this amino acid to an Isoleucine residue, and creates a premature Stop codon at position 16 of the new reading frame, denoted p.Thr1271IlefsX16. This variant is predicted to cause loss of normalprotein function either through protein truncation or nonsense-mediated mRNA decay. Additionally, the c.3812delC variant is not observed in large population cohorts (Lek et al., 2016). Furthermore, although this variant has not been reported previously to our knowledge, other frameshift variants downstream of this position in the ATP7A protein have been reported in the Human Gene Mutation Database in association with ATP7A-related disorders (Stenson et al., 2014). Therefore, this variant is likely pathogenic; however, the possibility that it is benign cannot be excluded.

NM_000052.7(ATP7A):c.3812del (p.Thr1271fs)

Gene: ATP7A (ATPase copper transporting alpha; plus strand). Cytogenetic location: Xq21.1.
Variant type: Deletion.
Coding change: c.3812del on transcript NM_000052.7 (MANE Select); coding-DNA position 3812, one base deleted (C; older notation c.3812delC).
Protein change: p.Thr1271fs; shifts the reading frame from threonine 1271.
Molecular consequence: frameshift variant. On other transcripts: non-coding transcript variant (1).
Genome position (GRCh38, 1-based): chrX:78,042,595, C deleted. VCF-style (leftmost placement, unchanged base first): chrX-78042594-AC-A. GRCh37 (hg19) VCF-style: chrX-77298092-AC-A.
Other names: c.3578del, p.Thr1193fs (NM_001282224.2); short protein forms T1193fs, T1271fs.
Identifiers: ClinVar variation 453198 (VCV000453198.2), dbSNP rs1557238569, ClinGen allele CA658659025.